The following is an entry in ClinVar:

ClinVar aggregate classification (germline): Uncertain significance (1 of 4 stars; one submission).

Allele frequency attached by ClinVar (database versions not stated): gnomAD exomes below 0.00001; TOPMed 0.00001; ESP Exome Variant Server 0.00008.
gnomAD v4.1: 2 of 1,611,032 alleles (0.00012%); highest among the groups gnomAD compares: African/African-American, 0.0027%; no homozygotes.

Submission:

GeneDx
Classification: Uncertain significance. Last evaluated: 2022-04-14. Review status: criteria provided, single submitter. Criteria: GeneDx Variant Classification Process June 2021. Collection method: clinical testing. Allele origin: germline. Affected: yes.
Comment: Not observed at significant frequency in large population cohorts (gnomAD); In silico analysis supports that this missense variant does not alter protein structure/function; Has not been previously published as pathogenic or benign to our knowledge

NM_002473.6(MYH9):c.5179C>A (p.Leu1727Met)

Gene: MYH9 (myosin heavy chain 9; minus strand). Cytogenetic location: 22q12.3.
Variant type: single nucleotide variant.
Coding change: c.5179C>A on transcript NM_002473.6 (MANE Select); coding-DNA position 5179, C replaced by A.
Protein change: p.Leu1727Met; replaces leucine 1727 with methionine.
Molecular consequence: missense variant.
Genome position (GRCh38, 1-based): chr22:36,285,753, G>T on the plus strand (C>A on the coding strand, the complement: MYH9 is on the minus strand). VCF-style: chr22-36285753-G-T. GRCh37 (hg19) VCF-style: chr22-36681799-G-T.
Other names: short protein forms L1727M.
Identifiers: ClinVar variation 1710655 (VCV001710655.2), dbSNP rs373380499, ClinGen allele CA323585500.
Genomic context (GRCh38, chr22:36,285,753, plus strand): 5'-GCTCCGTGTTGCCCTGCTCCTCCTCCAGCTCCTCCTCCAGCTGGGCGATGCGGGCCTCCA[G>T]ACGCCGCTTCTCCTCTAACGCCAGGGCTCTGCGGGGTGGGCGGGAGAAGTGAGGGGCCTA-3'
Protein context (NP_002464.1, residues 1717-1737): GALALEEKRR[Leu1727Met]EARIAQLEEE